The following is an entry in ClinVar:

ClinVar aggregate classification (germline): Uncertain significance. Review status: criteria provided, multiple submitters, no conflicts (2 of 4 stars). 2 submissions from 2 submitters: Uncertain significance (2). Last evaluated 2023-07-03.

Conditions:
Neurofibromatosis, type 1 (NF1). Also called: Neurofibromatosis, type I; VON RECKLINGHAUSEN DISEASE; NEUROFIBROMATOSIS, TYPE I, SOMATIC; Peripheral type neurofibromatosis. Identifiers: Orphanet 636, MedGen C0027831, MONDO:0018975, OMIM 162200. Disease mechanism: loss of function.

Submissions (2):

Blueprint Genetics
Classification: Uncertain significance. Last evaluated: 2023-07-03. Review status: criteria provided, single submitter. Criteria: ACMG Guidelines, 2015. Collection method: clinical testing. Allele origin: germline.

Labcorp Genetics (formerly Invitae), Labcorp
Classification: Uncertain significance for Neurofibromatosis, type 1. Last evaluated: 2023-05-29. Review status: criteria provided, single submitter. Criteria: Invitae Variant Classification Sherloc (09022015). Collection method: clinical testing. Allele origin: germline.
Comment: In summary, the available evidence is currently insufficient to determine the role of this variant in disease. Therefore, it has been classified as a Variant of Uncertain Significance. Algorithms developed to predict the effect of sequence changes on RNA splicing suggest that this variant may create or strengthen a splice site. Advanced modeling of protein sequence and biophysical properties (such as structural, functional, and spatial information, amino acid conservation, physicochemical variation, residue mobility, and thermodynamic stability) performed at Invitae indicates that this missense variant is expected to disrupt NF1 protein function. This variant has not been reported in the literature in individuals affected with NF1-related conditions. This variant is not present in population databases (gnomAD no frequency). This sequence change replaces alanine, which is neutral and non-polar, with valine, which is neutral and non-polar, at codon 2625 of the NF1 protein (p.Ala2625Val).

NM_001042492.3(NF1):c.7937C>T (p.Ala2646Val)

Gene: NF1 (neurofibromin 1; plus strand). Cytogenetic location: 17q11.2.
Variant type: single nucleotide variant.
Coding change: c.7937C>T on transcript NM_001042492.3 (MANE Select); coding-DNA position 7937, C replaced by T.
Protein change: p.Ala2646Val; replaces alanine 2646 with valine.
Molecular consequence: missense variant.
Genome position (GRCh38, 1-based): chr17:31,357,336, C>T. VCF-style: chr17-31357336-C-T. GRCh37 (hg19) VCF-style: chr17-29684354-C-T.
Other names: c.7874C>T, p.Ala2625Val (NM_000267.4); short protein forms A2625V, A2646V.
Identifiers: ClinVar variation 2862978 (VCV002862978.4), dbSNP rs2151583370, ClinGen allele CA399203500.